The following is an entry in ClinVar:

ClinVar aggregate classification (germline): Uncertain significance. Review status: criteria provided, multiple submitters, no conflicts (2 of 4 stars). 2 submissions from 2 submitters: Uncertain significance (2). Last evaluated 2025-08-23.

Conditions:
Inborn genetic diseases. Identifiers: MedGen C0950123, MeSH D030342.

Allele frequency attached by ClinVar (database versions not stated): ESP Exome Variant Server 0.00023.
gnomAD v4.1: 155 of 1,608,516 alleles (0.0096%); highest among the groups gnomAD compares: Non-Finnish European, 0.012%; no homozygotes.

Submissions (2):

Ambry Genetics
Classification: Uncertain significance for Inborn genetic diseases. Last evaluated: 2025-08-23. Review status: criteria provided, single submitter. Criteria: Ambry Variant Classification Scheme 2023. Collection method: clinical testing. Allele origin: germline.

Labcorp Genetics (formerly Invitae), Labcorp
Classification: Uncertain significance. Last evaluated: 2022-11-22. Review status: criteria provided, single submitter. Criteria: Invitae Variant Classification Sherloc (09022015). Collection method: clinical testing. Allele origin: germline.
Comment: This sequence change replaces arginine, which is basic and polar, with glycine, which is neutral and non-polar, at codon 227 of the ST14 protein (p.Arg227Gly). This variant is present in population databases (rs370850343, gnomAD 0.02%). This variant has not been reported in the literature in individuals affected with ST14-related conditions. ClinVar contains an entry for this variant (Variation ID: 1514611). Advanced modeling of protein sequence and biophysical properties (such as structural, functional, and spatial information, amino acid conservation, physicochemical variation, residue mobility, and thermodynamic stability) performed at Invitae indicates that this missense variant is not expected to disrupt ST14 protein function. In summary, the available evidence is currently insufficient to determine the role of this variant in disease. Therefore, it has been classified as a Variant of Uncertain Significance.

NM_021978.4(ST14):c.679C>G (p.Arg227Gly)

Gene: ST14 (ST14 transmembrane serine protease matriptase; plus strand). Cytogenetic location: 11q24.3.
Variant type: single nucleotide variant.
Coding change: c.679C>G on transcript NM_021978.4 (MANE Select); coding-DNA position 679, C replaced by G.
Protein change: p.Arg227Gly; replaces arginine 227 with glycine.
Molecular consequence: missense variant.
Genome position (GRCh38, 1-based): chr11:130,190,498, C>G. VCF-style: chr11-130190498-C-G. GRCh37 (hg19) VCF-style: chr11-130060393-C-G.
Other names: c.679C>G (NM_021978.3); short protein forms R227G.
Identifiers: ClinVar variation 1514611 (VCV001514611.9), dbSNP rs370850343, ClinGen allele CA6363716.